The following is an entry in ClinVar:

ClinVar aggregate classification (germline): Uncertain significance (1 of 4 stars; one submission).

Conditions:
Hereditary breast ovarian cancer syndrome. Also called: Hereditary breast and ovarian cancer syndrome (HBOC); Hereditary breast and ovarian cancer; Hereditary breast and/or ovarian cancer syndrome; Hereditary breast and ovarian cancer syndrome; Breast and ovarian cancer; BRCA1- and BRCA2-Associated Hereditary Breast and Ovarian Cancer. Identifiers: Orphanet 145, MedGen C0677776, MeSH D061325, MONDO:0003582. Disease mechanism: loss of function.

Submission:

Labcorp Genetics (formerly Invitae), Labcorp
Classification: Uncertain significance for Hereditary breast ovarian cancer syndrome. Last evaluated: 2021-02-06. Review status: criteria provided, single submitter. Criteria: Invitae Variant Classification Sherloc (09022015). Collection method: clinical testing. Allele origin: germline.
Comment: This variant has not been reported in the literature in individuals with BRCA2-related disease. This variant is not present in population databases (ExAC no frequency). This sequence change replaces aspartic acid with valine at codon 189 of the BRCA2 protein (p.Asp189Val). The aspartic acid residue is moderately conserved and there is a large physicochemical difference between aspartic acid and valine. Algorithms developed to predict the effect of missense changes on protein structure and function do not agree on the potential impact of this missense change (SIFT: "Deleterious"; PolyPhen-2: "Probably Damaging"; Align-GVGD: "Class C15"). In summary, the available evidence is currently insufficient to determine the role of this variant in disease. Therefore, it has been classified as a Variant of Uncertain Significance.

NM_000059.4(BRCA2):c.566A>T (p.Asp189Val)

Gene: BRCA2 (BRCA2 DNA repair associated; plus strand). Cytogenetic location: 13q13.1.
Variant type: single nucleotide variant.
Coding change: c.566A>T on transcript NM_000059.4 (MANE Select); coding-DNA position 566, A replaced by T.
Protein change: p.Asp189Val; replaces aspartic acid 189 with valine.
Molecular consequence: missense variant.
Genome position (GRCh38, 1-based): chr13:32,326,548, A>T. VCF-style: chr13-32326548-A-T. GRCh37 (hg19) VCF-style: chr13-32900685-A-T.
Other names: short protein forms D189V.
Identifiers: ClinVar variation 567092 (VCV000567092.9), dbSNP rs397507359, ClinGen allele CA387757950.
Genomic context (GRCh38, chr13:32,326,548, plus strand): 5'-TTTCCTCCCAGGGTCGTCAGACACCAAAACATATTTCTGAAAGTCTAGGAGCTGAGGTGG[A>T]TCCTGATATGTCTTGGTCAAGTTCTTTAGCTACACCACCCACCCTTAGTTCTACTGTGCT-3'
Protein context (NP_000050.3, residues 179-199): HISESLGAEV[Asp189Val]PDMSWSSSLA